The following is an entry in ClinVar:

NM_006030.4(CACNA2D2):c.902G>A (p.Ser301Asn)

Gene: CACNA2D2 (calcium voltage-gated channel auxiliary subunit alpha2delta 2; minus strand). Cytogenetic location: 3p21.31.
Variant type: single nucleotide variant.
Coding change: c.902G>A on transcript NM_006030.4 (MANE Select); coding-DNA position 902, G replaced by A.
Protein change: p.Ser301Asn; replaces serine 301 with asparagine.
Molecular consequence: missense variant.
Genome position (GRCh38, 1-based): chr3:50,379,816, C>T on the plus strand (G>A on the coding strand, the complement: CACNA2D2 is on the minus strand). VCF-style: chr3-50379816-C-T. GRCh37 (hg19) VCF-style: chr3-50417247-C-T.
Other names: c.902G>A, p.Ser301Asn (NM_001005505.3, NM_001174051.3, NM_001410768.1); c.695G>A, p.Ser232Asn (NM_001291101.1); short protein forms S232N, S301N.
Identifiers: ClinVar variation 3606092 (VCV003606092.2).

ClinVar aggregate classification (germline): Uncertain significance (1 of 4 stars; one submission).

Conditions:
Early-infantile DEE. Also called: Early infantile epileptic encephalopathy; Ohtahara syndrome; Early infantile epileptic encephalopathy with suppression bursts. Identifiers: Orphanet 1934, MedGen C0393706, MONDO:0800491.

Submission:

Labcorp Genetics (formerly Invitae), Labcorp
Classification: Uncertain significance for Early-infantile DEE. Last evaluated: 2024-06-02. Review status: criteria provided, single submitter. Criteria: Invitae Variant Classification Sherloc (09022015). Collection method: clinical testing. Allele origin: germline.
Comment: This sequence change replaces serine, which is neutral and polar, with asparagine, which is neutral and polar, at codon 301 of the CACNA2D2 protein (p.Ser301Asn). This variant is not present in population databases (gnomAD no frequency). This variant has not been reported in the literature in individuals affected with CACNA2D2-related conditions. An algorithm developed to predict the effect of missense changes on protein structure and function (PolyPhen-2) suggests that this variant is likely to be disruptive. In summary, the available evidence is currently insufficient to determine the role of this variant in disease. Therefore, it has been classified as a Variant of Uncertain Significance.